The following is an entry in ClinVar:

ClinVar aggregate classification (germline): Uncertain significance (1 of 4 stars; one submission).

gnomAD v4.1: 5 of 1,614,126 alleles (0.00031%); highest among the groups gnomAD compares: African/African-American, 0.0013%; no homozygotes.

Submission:

Labcorp Genetics (formerly Invitae), Labcorp
Classification: Uncertain significance. Last evaluated: 2023-08-02. Review status: criteria provided, single submitter. Criteria: Invitae Variant Classification Sherloc (09022015). Collection method: clinical testing. Allele origin: germline.
Comment: In summary, the available evidence is currently insufficient to determine the role of this variant in disease. Therefore, it has been classified as a Variant of Uncertain Significance. Advanced modeling of protein sequence and biophysical properties (such as structural, functional, and spatial information, amino acid conservation, physicochemical variation, residue mobility, and thermodynamic stability) performed at Invitae indicates that this missense variant is not expected to disrupt KLHL3 protein function. This variant has not been reported in the literature in individuals affected with KLHL3-related conditions. This variant is not present in population databases (gnomAD no frequency). This sequence change replaces asparagine, which is neutral and polar, with serine, which is neutral and polar, at codon 41 of the KLHL3 protein (p.Asn41Ser).

NM_017415.3(KLHL3):c.122A>G (p.Asn41Ser)

Gene: KLHL3 (kelch like family member 3; minus strand). Cytogenetic location: 5q31.2.
Variant type: single nucleotide variant.
Coding change: c.122A>G on transcript NM_017415.3 (MANE Select); coding-DNA position 122, A replaced by G.
Protein change: p.Asn41Ser; replaces asparagine 41 with serine.
Molecular consequence: missense variant.
Genome position (GRCh38, 1-based): chr5:137,720,477, T>C on the plus strand (A>G on the coding strand, the complement: KLHL3 is on the minus strand). VCF-style: chr5-137720477-T-C. GRCh37 (hg19) VCF-style: chr5-137056166-T-C.
Other names: c.26A>G, p.Asn9Ser (NM_001257194.1); short protein forms N9S, N41S.
Identifiers: ClinVar variation 2801937 (VCV002801937.3), dbSNP rs1752977004, ClinGen allele CA361054928.